The following is an entry in ClinVar:

ClinVar aggregate classification (germline): Benign/Likely benign. Review status: criteria provided, multiple submitters, no conflicts (2 of 4 stars). 10 submissions from 10 submitters: Benign (6); Likely benign (3). 1 of the submissions does not count toward it. Last evaluated 2026-09-01.

Conditions:
GRN-related frontotemporal lobar degeneration with Tdp43 inclusions (FTD2). Also called: FRONTOTEMPORAL DEMENTIA WITH TDP43 INCLUSIONS, GRN-RELATED; DEMENTIA, HEREDITARY DYSPHASIC DISINHIBITION; FRONTOTEMPORAL LOBAR DEGENERATION WITH UBIQUITIN-POSITIVE INCLUSIONS; FTLD-TDP, GRN-RELATED; GRN Frontotemporal Dementia. Identifiers: Orphanet 100070, Orphanet 282, MedGen C1843792, MONDO:0011842, OMIM 607485. Disease mechanism: loss of function.
Neuronal ceroid lipofuscinosis 11. Also called: GRN-Related Neuronal Ceroid-Lipofuscinosis. Identifiers: Orphanet 314629, Orphanet 79262, MedGen C3539123, MONDO:0013866, OMIM 614706.
Inborn genetic diseases. Identifiers: MedGen C0950123, MeSH D030342.

Allele frequency attached by ClinVar (database versions not stated): 1000 Genomes Project 30x 0.00156; 1000 Genomes Project 0.00160; TOPMed 0.00175; ESP Exome Variant Server 0.00223; gnomAD exomes 0.00411 and 0.00548; ExAC 0.00433; gnomAD 0.00507 and 0.00523.

Submissions (10):

CeGaT Center for Human Genetics Tuebingen
Classification: Benign. Last evaluated: 2026-09-01. Review status: criteria provided, single submitter. Criteria: CeGaT Center For Human Genetics Tuebingen Variant Classification Criteria Version 2. Collection method: clinical testing. Allele origin: germline. Affected: yes. Observed: 21 variant alleles.
Comment: GRN: BP4, BS1, BS2

Labcorp Genetics (formerly Invitae), Labcorp
Classification: Benign for Neuronal ceroid lipofuscinosis 11; GRN-related frontotemporal lobar degeneration with Tdp43 inclusions. Last evaluated: 2026-01-27. Review status: criteria provided, single submitter. Criteria: Invitae Variant Classification Sherloc (09022015). Collection method: clinical testing. Allele origin: germline.

Blueprint Genetics
Classification: Likely benign. Last evaluated: 2024-11-25. Review status: criteria provided, single submitter. Criteria: ACMG Guidelines, 2015. Collection method: clinical testing. Allele origin: germline.

Mayo Clinic Laboratories, Mayo Clinic
Classification: Benign. Last evaluated: 2024-08-20. Review status: criteria provided, single submitter. Criteria: ACMG Guidelines, 2015. Collection method: clinical testing. Allele origin: germline. Observed: 7 variant alleles.
Comment: BA1, BP4

GeneDx
Classification: Benign. Last evaluated: 2019-01-07. Review status: criteria provided, single submitter. Criteria: GeneDx Variant Classification Process June 2021. Collection method: clinical testing. Allele origin: germline. Affected: yes.

Ambry Genetics
Classification: Benign for Inborn genetic diseases. Last evaluated: 2018-07-13. Review status: criteria provided, single submitter. Criteria: Ambry Variant Classification Scheme 2023. Collection method: clinical testing. Allele origin: germline.

Athena Diagnostics
Classification: Benign for GRN-related frontotemporal lobar degeneration with Tdp43 inclusions. Last evaluated: 2017-06-28. Review status: criteria provided, single submitter. Criteria: Athena Diagnostics Criteria. Collection method: clinical testing. Allele origin: germline.

Illumina Laboratory Services, Illumina
Classification: Likely benign for GRN-related frontotemporal lobar degeneration with Tdp43 inclusions. Last evaluated: 2017-04-27. Review status: criteria provided, single submitter. Criteria: ICSL Variant Classification Criteria 13 December 2019. Collection method: clinical testing. Allele origin: germline.
Comment: This variant was observed as part of a predisposition screen in an ostensibly healthy population. A literature search was performed for the gene, cDNA change, and amino acid change (where applicable). Publications were found based on this search. The evidence from the literature, in combination with allele frequency data from public databases where available, was sufficient to determine this variant is unlikely to cause disease. Therefore, this variant is classified as likely benign.

Center for Pediatric Genomic Medicine, Children's Mercy Hospital and Clinics
Classification: Likely benign. Last evaluated: 2015-10-07. Review status: criteria provided, single submitter. Criteria: ACMG Guidelines, 2015. Collection method: clinical testing. Allele origin: germline.
ClinVar note: Converted during submission from Likely Benign to Likely benign.

VIB  Department of Molecular Genetics, University of Antwerp
No classification provided. Review status: no classification provided. Collection method: not provided. Allele origin: unknown. Not counted in ClinVar's aggregate classification.

Literature cited by the submitters: PubMed 16950801 (cited by Athena Diagnostics and Illumina Laboratory Services, Illumina); PubMed 17202431 (cited by Athena Diagnostics and Illumina Laboratory Services, Illumina); PubMed 17345602 (cited by Athena Diagnostics and Illumina Laboratory Services, Illumina); PubMed 17371905 (cited by Athena Diagnostics and Illumina Laboratory Services, Illumina); PubMed 18234697 (cited by Athena Diagnostics and Illumina Laboratory Services, Illumina); PubMed 18565828 (cited by Athena Diagnostics and Illumina Laboratory Services, Illumina); PubMed 18838661 (cited by Athena Diagnostics and Illumina Laboratory Services, Illumina); PubMed 19158106 (cited by Athena Diagnostics and Illumina Laboratory Services, Illumina); PubMed 18543312 (cited by Illumina Laboratory Services, Illumina); PubMed 23990795 (cited by Illumina Laboratory Services, Illumina).

NM_002087.4(GRN):c.1297C>T (p.Arg433Trp)

Gene: GRN (granulin precursor; plus strand). Cytogenetic location: 17q21.31.
Variant type: single nucleotide variant.
Coding change: c.1297C>T on transcript NM_002087.4 (MANE Select); coding-DNA position 1297, C replaced by T.
Protein change: p.Arg433Trp; replaces arginine 433 with tryptophan.
Molecular consequence: missense variant.
Genome position (GRCh38, 1-based): chr17:44,352,132, C>T. VCF-style: chr17-44352132-C-T. GRCh37 (hg19) VCF-style: chr17-42429500-C-T.
Other names: short protein forms R433W.
Identifiers: ClinVar variation 98180 (VCV000098180.64), dbSNP rs63750412, ClinGen allele CA225336.
Genomic context (GRCh38, chr17:44,352,132, plus strand): 5'-GAGGGGCAGTGTCAGCGAGGAAGCGAGATCGTGGCTGGACTGGAGAAGATGCCTGCCCGC[C>T]GGGCTTCCTTATCCCACCCCAGAGACATCGGCTGTGACCAGCACACCAGCTGCCCGGTGG-3'
Protein context (NP_002078.1, residues 423-443): VAGLEKMPAR[Arg433Trp]ASLSHPRDIG